The following is an entry in ClinVar:

NM_015450.3(POT1):c.1792G>A (p.Asp598Asn)

Gene: POT1 (protection of telomeres 1; minus strand). Cytogenetic location: 7q31.33.
Variant type: single nucleotide variant.
Coding change: c.1792G>A on transcript NM_015450.3 (MANE Select); coding-DNA position 1792, G replaced by A.
Protein change: p.Asp598Asn; replaces aspartic acid 598 with asparagine.
Molecular consequence: missense variant. On other transcripts: non-coding transcript variant (3).
Genome position (GRCh38, 1-based): chr7:124,825,252, C>T on the plus strand (G>A on the coding strand, the complement: POT1 is on the minus strand). VCF-style: chr7-124825252-C-T. GRCh37 (hg19) VCF-style: chr7-124465306-C-T.
Other names: c.1399G>A, p.Asp467Asn (NM_001042594.2); short protein forms D467N, D598N.
Identifiers: ClinVar variation 3718615 (VCV003718615.2).

ClinVar aggregate classification (germline): Uncertain significance (1 of 4 stars; one submission).

Conditions:
Tumor predisposition syndrome 3 (TPDS3). Also called: Glioma susceptibility 9; LONG TELOMERE SYNDROME, POT1-RELATED; POT1 Tumor Predisposition; Melanoma, cutaneous malignant, susceptibility to, 10. Identifiers: Orphanet 618, MedGen C4014476, MONDO:0014368, OMIM 615848.

gnomAD v4.1: 1 of 1,596,562 alleles (0.000063%); highest among the groups gnomAD compares: Non-Finnish European, 0.000086%; no homozygotes.

Submission:

Labcorp Genetics (formerly Invitae), Labcorp
Classification: Uncertain significance for Tumor predisposition syndrome 3. Last evaluated: 2024-12-18. Review status: criteria provided, single submitter. Criteria: Invitae Variant Classification Sherloc (09022015). Collection method: clinical testing. Allele origin: germline.
Comment: This sequence change replaces aspartic acid, which is acidic and polar, with asparagine, which is neutral and polar, at codon 598 of the POT1 protein (p.Asp598Asn). RNA analysis indicates that this missense change induces altered splicing and likely disrupts the C-terminus of the protein. This variant is not present in population databases (gnomAD no frequency). This missense change has been observed in individual(s) with melanoma (PMID: 30451293). An algorithm developed to predict the effect of missense changes on protein structure and function (PolyPhen-2) suggests that this variant is likely to be disruptive. Variants that disrupt the consensus splice site are a relatively common cause of aberrant splicing (PMID: 17576681, 9536098). Studies have shown that this missense change results in activation of a cryptic splice site and introduces a new termination codon (PMID: 30451293). However the mRNA is not expected to undergo nonsense-mediated decay. In summary, the available evidence is currently insufficient to determine the role of this variant in disease. Therefore, it has been classified as a Variant of Uncertain Significance.

Literature cited by the submitters: PubMed 30451293; PubMed 17576681; PubMed 9536098.